The following is an entry in ClinVar:

NM_031433.4(MFRP):c.932C>T (p.Thr311Ile)

Genes: C1QTNF5 (C1q and TNF related 5; minus strand), MFRP (membrane frizzled-related protein; minus strand). Cytogenetic location: 11q23.3.
Variant type: single nucleotide variant.
Coding change: c.932C>T on transcript NM_031433.4 (MANE Select); coding-DNA position 932, C replaced by T.
Protein change: p.Thr311Ile; replaces threonine 311 with isoleucine.
Molecular consequence: missense variant. On other transcripts: 5 prime UTR variant (1).
Genome position (GRCh38, 1-based): chr11:119,344,358, G>A on the plus strand (C>T on the coding strand, the complement: MFRP is on the minus strand). VCF-style: chr11-119344358-G-A. GRCh37 (hg19) VCF-style: chr11-119215068-G-A.
Other names: c.-1705C>T (NM_015645.5); short protein forms T311I.
Identifiers: ClinVar variation 1006713 (VCV001006713.9), dbSNP rs1950536085, ClinGen allele CA382976090.

ClinVar aggregate classification (germline): Uncertain significance (1 of 4 stars; one submission).

Conditions:
Isolated microphthalmia 5. Also called: Posterior Microphthalmia with Retinitis Pigmentosa, Foveoschisis, and Optic Disc Drusen. Identifiers: Orphanet 251279, MedGen C1970236, MONDO:0012605, OMIM 611040.

Allele frequency attached by ClinVar (database versions not stated): TOPMed below 0.00001; gnomAD exomes below 0.00001.
gnomAD v4.1: 4 of 1,614,038 alleles (0.00025%); highest among the groups gnomAD compares: Middle Eastern, 0.016%; no homozygotes.

Submission:

Labcorp Genetics (formerly Invitae), Labcorp
Classification: Uncertain significance for Isolated microphthalmia 5. Last evaluated: 2023-08-04. Review status: criteria provided, single submitter. Criteria: Invitae Variant Classification Sherloc (09022015). Collection method: clinical testing. Allele origin: germline.
Comment: This sequence change replaces threonine, which is neutral and polar, with isoleucine, which is neutral and non-polar, at codon 311 of the MFRP protein (p.Thr311Ile). This variant is not present in population databases (gnomAD no frequency). This variant has not been reported in the literature in individuals affected with MFRP-related conditions. ClinVar contains an entry for this variant (Variation ID: 1006713). Advanced modeling of protein sequence and biophysical properties (such as structural, functional, and spatial information, amino acid conservation, physicochemical variation, residue mobility, and thermodynamic stability) performed at Invitae indicates that this missense variant is not expected to disrupt MFRP protein function. In summary, the available evidence is currently insufficient to determine the role of this variant in disease. Therefore, it has been classified as a Variant of Uncertain Significance.